The following is an entry in ClinVar:

NM_000059.4(BRCA2):c.2274T>G (p.Ser758Arg)

Gene: BRCA2 (BRCA2 DNA repair associated; plus strand). Cytogenetic location: 13q13.1.
Variant type: single nucleotide variant.
Coding change: c.2274T>G on transcript NM_000059.4 (MANE Select); coding-DNA position 2274, T replaced by G.
Protein change: p.Ser758Arg; replaces serine 758 with arginine.
Molecular consequence: missense variant.
Genome position (GRCh38, 1-based): chr13:32,336,629, T>G. VCF-style: chr13-32336629-T-G. GRCh37 (hg19) VCF-style: chr13-32910766-T-G.
Other names: p.S758R:AGT>AGG; short protein forms S758R.
Identifiers: ClinVar variation 141084 (VCV000141084.43), dbSNP rs142243359, ClinGen allele CA014830.

ClinVar aggregate classification (germline): Conflicting classifications of pathogenicity. Review status: criteria provided, conflicting classifications (1 of 4 stars). 10 submissions from 10 submitters: Uncertain significance (5); Benign (1); Likely benign (3). 1 of the submissions does not count toward it. Last evaluated 2026-01-27.

Conditions:
Hereditary cancer-predisposing syndrome. Also called: Neoplastic Syndromes, Hereditary; Hereditary Cancer Syndrome; Hereditary neoplastic syndrome; Tumor predisposition. Identifiers: Orphanet 140162, MedGen C0027672, MeSH D009386, MONDO:0015356.
Hereditary breast ovarian cancer syndrome. Also called: Hereditary breast and ovarian cancer syndrome; Hereditary breast and/or ovarian cancer syndrome; BRCA1- and BRCA2-Associated Hereditary Breast and Ovarian Cancer; Hereditary breast and ovarian cancer; Breast and ovarian cancer; Hereditary breast and ovarian cancer syndrome (HBOC). Identifiers: Orphanet 145, MedGen C0677776, MeSH D061325, MONDO:0003582. Disease mechanism: loss of function.
Breast-ovarian cancer, familial, susceptibility to, 2 (BROVCA2). Also called: BRCA2 Hereditary Breast and Ovarian Cancer. Identifiers: Orphanet 145, MedGen C2675520, MONDO:0012933, OMIM 612555. Disease mechanism: loss of function.
Malignant tumor of breast. Also called: Malignant breast neoplasm; Cancer breast. Identifiers: MedGen C0006142, MONDO:0007254. Disease mechanism: loss of function.

Allele frequency attached by ClinVar (database versions not stated): ESP Exome Variant Server 0.00008; TOPMed 0.00010; gnomAD 0.00013.
gnomAD v4.1: 33 of 1,613,986 alleles (0.002%); highest among the groups gnomAD compares: African/African-American, 0.036%; no homozygotes.

Submissions (10):

Labcorp Genetics (formerly Invitae), Labcorp
Classification: Likely benign for Hereditary breast ovarian cancer syndrome. Last evaluated: 2026-01-27. Review status: criteria provided, single submitter. Criteria: Invitae Variant Classification Sherloc (09022015). Collection method: clinical testing. Allele origin: germline.

Women's Health and Genetics/Laboratory Corporation of America, LabCorp
Classification: Uncertain significance. Last evaluated: 2025-09-02. Review status: criteria provided, single submitter. Criteria: LabCorp Variant Classification Summary - May 2015. Collection method: clinical testing. Allele origin: germline.
Comment: Variant summary: BRCA2 c.2274T>G (p.Ser758Arg) results in a non-conservative amino acid change in the encoded protein sequence. Algorithms developed to predict the effect of missense changes on protein structure and function are either unavailable or do not agree on the potential impact of this missense change. The variant allele was found at a frequency of 2e-05 in 1613986 control chromosomes. This frequency is not significantly higher than estimated for a pathogenic variant in BRCA2 causing Hereditary Breast And Ovarian Cancer Syndrome (2e-05 vs 0.00075), allowing no conclusion about variant significance. c.2274T>G has been reported in the literature in individuals affected with breast cancer and/or ovarian cancer or upper tract urothelial carcinoma, all without evidence of causality (e.g. Fernandes_2016, Vlachostergios_2020, Guindalini_2022, Ferreyra_2023, Martin_2024). These report(s) do not provide unequivocal conclusions about association of the variant with Hereditary Breast And Ovarian Cancer Syndrome. To our knowledge, no experimental evidence demonstrating an impact on protein function has been reported. The following publications have been ascertained in the context of this evaluation (PMID: 27741520, 35694415, 35264596, 37664050, 38566764). ClinVar contains an entry for this variant (Variation ID: 141084). Based on the evidence outlined above, the variant was classified as uncertain significance.

Quest Diagnostics Nichols Institute San Juan Capistrano
Classification: Uncertain significance. Last evaluated: 2025-06-17. Review status: criteria provided, single submitter. Criteria: Quest Diagnostics criteria. Collection method: clinical testing. Allele origin: unknown.
Comment: The BRCA2 c.2274T>G (p.Ser758Arg) variant has been reported in the published literature in individuals with a personal and/or family history of breast and/or ovarian cancer (PMID: 37664050 (2023), 35264596 (2022), 32885271 (2021), 27741520 (2016)) and described to be located in a region of the BRCA2 gene that is tolerant to missense sequence changes (PMID: 31911673 (2020)). The frequency of this variant in the general population (Genome Aggregation Database) is uninformative in the assessment of its pathogenicity. Analysis of this variant using bioinformatics tools for the prediction of the effect of amino acid changes on protein structure and function yielded predictions that this variant is benign. Based on the available information, we are unable to determine the clinical significance of this variant.

GeneDx
Classification: Uncertain significance. Last evaluated: 2025-05-13. Review status: criteria provided, single submitter. Criteria: GeneDx Variant Classification Process June 2021. Collection method: clinical testing. Allele origin: germline. Affected: yes.
Comment: Observed in individuals with breast or ovarian cancer, as well as in a patient with upper tract urothelial carcinoma (UTUC) who also harbored a somatic PALB2 variant (PMID: 27741520, 37664050, 35264596, 38566764, 35694415); In silico analysis supports that this missense variant has a deleterious effect on protein structure/function; Also known as 2502T>G; This variant is associated with the following publications: (PMID: 29884841, 31911673, 32377563, 35264596, 27741520, 37664050, 38566764, 35694415)

University of Washington Department of Laboratory Medicine, University of Washington
Classification: Likely benign for Hereditary cancer-predisposing syndrome. Last evaluated: 2023-03-23. Review status: criteria provided, single submitter. Criteria: Dines et al. (Genet Med. 2020). Collection method: curation. Allele origin: germline.
Comment: Missense variant in a coldspot region where missense variants are very unlikely to be pathogenic (PMID:31911673).

BRCA2 exon 11 coldspot. Reclassification based on statistical prior probability.

Sema4
Classification: Uncertain significance for Hereditary cancer-predisposing syndrome. Last evaluated: 2021-04-26. Review status: criteria provided, single submitter. Criteria: Sema4 Curation Guidelines. Collection method: curation. Allele origin: germline.
Comment: The BRCA2 c.2274T>G (p.S758R) variant has been reported in heterozygosity in at least one individual with breast cancer (PMID: 27741520). This variant was observed in 9/24956 chromosomes in the African/African American population, according to the Genome Aggregation Database (PMID: 32461654). This variant has been reported in ClinVar (Variation ID: 141084). In silico tools suggest the impact of the variant on protein function is inconclusive, though these predictions have not been confirmed by functional studies. The evidence is insufficient to meet ACMG/AMP criteria for classifying the variant as benign or pathogenic. Thus, the clinical significance of this variant is currently uncertain.

Mendelics
Classification: Uncertain significance for Breast-ovarian cancer, familial, susceptibility to, 2. Last evaluated: 2019-05-28. Review status: criteria provided, single submitter. Criteria: Mendelics Assertion Criteria 2017. Collection method: clinical testing. Allele origin: unknown.

Color Diagnostics, LLC DBA Color Health
Classification: Likely benign for Hereditary cancer-predisposing syndrome. Last evaluated: 2016-05-19. Review status: criteria provided, single submitter. Criteria: ACMG Guidelines, 2015. Collection method: clinical testing. Allele origin: germline.

Ambry Genetics
Classification: Benign for Hereditary cancer-predisposing syndrome. Last evaluated: 2014-11-19. Review status: criteria provided, single submitter. Criteria: Ambry Variant Classification Scheme 2023. Collection method: clinical testing. Allele origin: germline.

Department of Pathology and Laboratory Medicine, Sinai Health System
Classification: Uncertain significance for Malignant tumor of breast. Review status: no assertion criteria provided. Collection method: clinical testing. Allele origin: unknown. Affected: yes. Study: The Canadian Open Genetics Repository (COGR). Not counted in ClinVar's aggregate classification.
Comment: The BRCA2 p.Ser758Arg variant was identified in 1 of 698 proband chromosomes (frequency: 0.001) from individuals or families with breast cancer (Fernandes 2016). The variant was also identified in dbSNP (ID: rs142243359) as "With Likely benign, Uncertain significance allele", ClinVar (classified as benign by Ambry Genetics; as uncertain significance by Invitae, GeneDx and two clinical laboratories), and in LOVD 3.0 (2x). The variant was not identified in UMD-LSDB database. The variant was identified in control databases in 10 of 277004 chromosomes at a frequency of 0.00004 (Genome Aggregation Database Feb 27, 2017). The variant was observed in the following populations: African in 8 of 24030 chromosomes (freq: 0.0003), Latino in 2 of 34376 chromosomes (freq: 0.00006), while the variant was not observed in the Other, European, Ashkenazi Jewish, East Asian, Finnish, or South Asian populations. The p.Ser758 residue is not conserved in mammals and four out of five computational analyses (PolyPhen-2, SIFT, AlignGVGD, BLOSUM, MutationTaster) do not suggest a high likelihood of impact to the protein; however, this information is not predictive enough to rule out pathogenicity. The variant occurs outside of the splicing consensus sequence and in silico or computational prediction software programs (SpliceSiteFinder, MaxEntScan, NNSPLICE, GeneSplicer) do not predict a difference in splicing. In summary, based on the above information the clinical significance of this variant cannot be determined with certainty at this time. This variant is classified as a variant of uncertain significance.

Literature cited by the submitters: PubMed 27741520 (cited by 3 submitters); PubMed 35694415 (cited by Women's Health and Genetics/Laboratory Corporation of America, LabCorp and Quest Diagnostics Nichols Institute San Juan Capistrano); PubMed 35264596 (cited by Women's Health and Genetics/Laboratory Corporation of America, LabCorp and Quest Diagnostics Nichols Institute San Juan Capistrano); PubMed 38566764 (cited by Women's Health and Genetics/Laboratory Corporation of America, LabCorp); PubMed 37664050 (cited by Women's Health and Genetics/Laboratory Corporation of America, LabCorp and Quest Diagnostics Nichols Institute San Juan Capistrano); PubMed 32885271 (cited by Quest Diagnostics Nichols Institute San Juan Capistrano); PubMed 31911673 (cited by Quest Diagnostics Nichols Institute San Juan Capistrano).